The following is an entry in ClinVar:

NM_000143.4(FH):c.-1C>G

Gene: FH (fumarate hydratase; minus strand). Cytogenetic location: 1q43.
Variant type: single nucleotide variant.
Coding change: c.-1C>G on transcript NM_000143.4 (MANE Select); 1 bases upstream of the start codon, C replaced by G.
Molecular consequence: 5 prime UTR variant.
Genome position (GRCh38, 1-based): chr1:241,519,723, G>C on the plus strand (C>G on the coding strand, the complement: FH is on the minus strand). VCF-style: chr1-241519723-G-C. GRCh37 (hg19) VCF-style: chr1-241683023-G-C.
Identifiers: ClinVar variation 1784186 (VCV001784186.2), dbSNP rs954901711, ClinGen allele CA2580063565.

ClinVar aggregate classification (germline): Uncertain significance (1 of 4 stars; one submission).

Conditions:
Hereditary cancer-predisposing syndrome. Also called: Neoplastic Syndromes, Hereditary; Tumor predisposition; Hereditary Cancer Syndrome; Hereditary neoplastic syndrome. Identifiers: Orphanet 140162, MedGen C0027672, MeSH D009386, MONDO:0015356.

Submission:

Ambry Genetics
Classification: Uncertain significance for Hereditary cancer-predisposing syndrome. Last evaluated: 2022-08-03. Review status: criteria provided, single submitter. Criteria: Ambry Variant Classification Scheme 2023. Collection method: clinical testing. Allele origin: germline.
Comment: The c.-1C>G variant is located in the 5' untranslated region (5&rsquo; UTR) of the FH gene. This variant results from a C to G substitution 1 bases upstream from the first translated codon. This nucleotide position is well conserved in available vertebrate species. Since supporting evidence is limited at this time, the clinical significance of this alteration remains unclear.